The following is an entry in ClinVar:

ClinVar aggregate classification (germline): Uncertain significance (1 of 4 stars; one submission).

Conditions:
Early Myoclonic Encephalopathy. Identifiers: MedGen C0270855.

Allele frequency attached by ClinVar (database versions not stated): TOPMed 0.00003; gnomAD exomes 0.00001 and 0.00002.
gnomAD v4.1: 29 of 1,613,796 alleles (0.0018%); highest among the groups gnomAD compares: Non-Finnish European, 0.0023%; no homozygotes.

Submission:

Labcorp Genetics (formerly Invitae), Labcorp
Classification: Uncertain significance for Early Myoclonic Encephalopathy. Last evaluated: 2025-02-20. Review status: criteria provided, single submitter. Criteria: Invitae Variant Classification Sherloc (09022015). Collection method: clinical testing. Allele origin: germline.
Comment: This sequence change replaces alanine, which is neutral and non-polar, with valine, which is neutral and non-polar, at codon 152 of the KCND2 protein (p.Ala152Val). This variant is present in population databases (no rsID available, gnomAD 0.002%). This variant has not been reported in the literature in individuals affected with KCND2-related conditions. ClinVar contains an entry for this variant (Variation ID: 1435002). Invitae Evidence Modeling of protein sequence and biophysical properties (such as structural, functional, and spatial information, amino acid conservation, physicochemical variation, residue mobility, and thermodynamic stability) indicates that this missense variant is not expected to disrupt KCND2 protein function with a negative predictive value of 95%. In summary, the available evidence is currently insufficient to determine the role of this variant in disease. Therefore, it has been classified as a Variant of Uncertain Significance.

NM_012281.3(KCND2):c.455C>T (p.Ala152Val)

Gene: KCND2 (potassium voltage-gated channel subfamily D member 2; plus strand). Cytogenetic location: 7q31.31.
Variant type: single nucleotide variant.
Coding change: c.455C>T on transcript NM_012281.3 (MANE Select); coding-DNA position 455, C replaced by T.
Protein change: p.Ala152Val; replaces alanine 152 with valine.
Molecular consequence: missense variant.
Genome position (GRCh38, 1-based): chr7:120,275,087, C>T. VCF-style: chr7-120275087-C-T. GRCh37 (hg19) VCF-style: chr7-119915141-C-T.
Other names: short protein forms A152V.
Identifiers: ClinVar variation 1435002 (VCV001435002.6), dbSNP rs1463478495, ClinGen allele CA369131648.